The following is an entry in ClinVar:

NM_000127.3(EXT1):c.1164+1G>C

Gene: EXT1 (exostosin glycosyltransferase 1; minus strand). Cytogenetic location: 8q24.11.
Variant type: single nucleotide variant.
Coding change: c.1164+1G>C on transcript NM_000127.3 (MANE Select); the canonical splice donor site of the intron after coding-DNA position 1164, G replaced by C.
Molecular consequence: splice donor variant.
Genome position (GRCh38, 1-based): chr8:117,835,443, C>G on the plus strand (G>C on the coding strand, the complement: EXT1 is on the minus strand). VCF-style: chr8-117835443-C-G. GRCh37 (hg19) VCF-style: chr8-118847682-C-G.
Identifiers: ClinVar variation 4294454 (VCV004294454.2).
Genomic context (GRCh38, chr8:117,835,443, plus strand): 5'-AAGTTTGGACGGGGGCAGCAATAATCTGCTGATGTGTTGAAGGCCACAGCCCCTTCCTTA[C>G]CTGTAATAACAATCTCTCATCGCCTATGACGGCAGCTTGGTTCCAATTAATCACTTCAGA-3'

ClinVar aggregate classification (germline): Likely pathogenic. Review status: criteria provided, multiple submitters, no conflicts (2 of 4 stars). 2 submissions from 2 submitters: Likely pathogenic (2). Last evaluated 2025-08-14.

Conditions:
Exostoses, multiple, type 1 (EXT1). Also called: EXOSTOSES, MULTIPLE, TYPE I; Hereditary Multiple Osteochondromatosis, Type I. Identifiers: MedGen CN263289, MONDO:0007585, OMIM 133700.

Submissions (2):

Division of Genetic & Genomic Pathology, Hong Kong Children's Hospital
Classification: Likely pathogenic for Exostoses, multiple, type 1. Last evaluated: 2025-08-14. Review status: criteria provided, single submitter. Criteria: ACMG Guidelines, 2015. Collection method: clinical testing. Allele origin: germline. Affected: yes.
Comment: EXT1 c.1164+1G>C is a splicing variant located in intron 3 of the gene, affecting the canonical donor splice site. In silico algorithm SpliceAI-10k predicted the variant may result in exon 3 skipping, which would not lead to frameshift but may lead to removal of <10% of the protein sequence. This variant is absent from population control databases (gnomAD v2.1.1 and v4.1.0). It has not been reported in ClinVar, but other splicing variants located in the same nucleotide have been deposited as pathogenic/likely pathogenic (VCV002136699.3, VCV001458863.5, VCV000373807.1). For these reasons, this variant is classified as likely pathogenic.

Molecular Genetics Department, Kulakov National Medical Research Center for Obstetrics, Gynecology and Perinatology
Classification: Likely pathogenic for Exostoses, multiple, type 1. Review status: criteria provided, single submitter. Criteria: ACMG Guidelines, 2015. Collection method: clinical testing. Allele origin: germline. Affected: yes. Observed: 1 variant allele.
Comment: A previously undescribed heterozygous nucleotide variant creates an alteration of the canonical splice site c.1164+1G>C in the EXT1 gene. Heterozygous variants including those leading to loss of full-length protein are reported in patients with exostoses, multiple, type 1, 133700. The variant is not present in population database (gnomAD no frequency). In summary, the currently available evidence indicates that the variant is pathogenic, but additional data are needed to prove that conclusively. Therefore, this variant has been classified as likely pathogenic.